The following is an entry in ClinVar:

ClinVar aggregate classification (germline): Uncertain significance (1 of 4 stars; one submission).

Conditions:
Aicardi-Goutieres syndrome 4. Identifiers: Orphanet 51, MedGen C1835912, MONDO:0012472, OMIM 610333.

Submission:

Labcorp Genetics (formerly Invitae), Labcorp
Classification: Uncertain significance for Aicardi-Goutieres syndrome 4. Last evaluated: 2021-10-06. Review status: criteria provided, single submitter. Criteria: Invitae Variant Classification Sherloc (09022015). Collection method: clinical testing. Allele origin: germline.
Comment: This sequence change falls in intron 6 of the RNASEH2A gene. It does not directly change the encoded amino acid sequence of the RNASEH2A protein. It affects a nucleotide within the consensus splice site of the intron. This variant is not present in population databases (ExAC no frequency). This variant has not been reported in the literature in individuals affected with RNASEH2A-related conditions. Variants that disrupt the consensus splice site are a relatively common cause of aberrant splicing (PMID: 17576681, 9536098). Algorithms developed to predict the effect of sequence changes on RNA splicing suggest that this variant is not likely to affect RNA splicing. In summary, the available evidence is currently insufficient to determine the role of this variant in disease. Therefore, it has been classified as a Variant of Uncertain Significance.

Literature cited by the submitters: PubMed 17576681; PubMed 9536098.

NM_006397.3(RNASEH2A):c.637+3G>A

Gene: RNASEH2A (ribonuclease H2 subunit A; plus strand). Cytogenetic location: 19p13.13.
Variant type: single nucleotide variant.
Coding change: c.637+3G>A on transcript NM_006397.3 (MANE Select); 3 bases into the intron after coding-DNA position 637, G replaced by A.
Molecular consequence: intron variant.
Genome position (GRCh38, 1-based): chr19:12,810,407, G>A. VCF-style: chr19-12810407-G-A. GRCh37 (hg19) VCF-style: chr19-12921221-G-A.
Identifiers: ClinVar variation 1384888 (VCV001384888.3), dbSNP rs1399243066, ClinGen allele CA2573155994.
Genomic context (GRCh38, chr19:12,810,407, plus strand): 5'-CAGTTCGTGGAGAAACTGCAGGACTTGGATACTGATTATGGCTCAGGCTACCCCAATGGT[G>A]AGCAGACACGTGACCATGGTACTAATGTTGAAATGGCCAGGGCTGAGCACACTTCTGAGG-3'